The following is an entry in ClinVar:

ClinVar aggregate classification (germline): Uncertain significance (1 of 4 stars; one submission).

gnomAD v4.1: 5 of 1,612,104 alleles (0.00031%); highest among the groups gnomAD compares: Non-Finnish European, 0.00042%; no homozygotes.

Submission:

GeneDx
Classification: Uncertain significance. Last evaluated: 2020-03-12. Review status: criteria provided, single submitter. Criteria: GeneDx Variant Classification Process June 2021. Collection method: clinical testing. Allele origin: germline. Affected: yes.
Comment: Not observed in large population cohorts (Lek et al., 2016); In silico analysis supports that this missense variant does not alter protein structure/function; Has not been previously published as pathogenic or benign to our knowledge

NM_017649.5(CNNM2):c.2261G>T (p.Cys754Phe)

Gene: CNNM2 (cyclin and CBS domain divalent metal cation transport mediator 2; plus strand). Cytogenetic location: 10q24.32.
Variant type: single nucleotide variant.
Coding change: c.2261G>T on transcript NM_017649.5 (MANE Select); coding-DNA position 2261, G replaced by T.
Protein change: p.Cys754Phe; replaces cysteine 754 with phenylalanine.
Molecular consequence: missense variant.
Genome position (GRCh38, 1-based): chr10:103,076,113, G>T. VCF-style: chr10-103076113-G-T. GRCh37 (hg19) VCF-style: chr10-104835870-G-T.
Other names: c.2195G>T, p.Cys732Phe (NM_199076.3); short protein forms C754F, C732F.
Identifiers: ClinVar variation 451298 (VCV000451298.3), dbSNP rs1554906985, ClinGen allele CA377963424.